The following is an entry in ClinVar:

NM_007194.4(CHEK2):c.1184T>A (p.Val395Asp)

Gene: CHEK2 (checkpoint kinase 2; minus strand). Cytogenetic location: 22q12.1.
Variant type: single nucleotide variant.
Coding change: c.1184T>A on transcript NM_007194.4 (MANE Select); coding-DNA position 1184, T replaced by A.
Protein change: p.Val395Asp; replaces valine 395 with aspartic acid.
Molecular consequence: missense variant.
Genome position (GRCh38, 1-based): chr22:28,695,785, A>T on the plus strand (T>A on the coding strand, the complement: CHEK2 is on the minus strand). VCF-style: chr22-28695785-A-T. GRCh37 (hg19) VCF-style: chr22-29091773-A-T.
Other names: c.1313T>A, p.Val438Asp (NM_001005735.3); c.521T>A, p.Val174Asp (NM_001257387.3); c.983T>A, p.Val328Asp (NM_001349956.3); c.1097T>A, p.Val366Asp (NM_145862.3); short protein forms V174D, V328D, V366D, V395D, V438D.
Identifiers: ClinVar variation 1063086 (VCV001063086.9), dbSNP rs1555913769, ClinGen allele CA411096805.

ClinVar aggregate classification (germline): Uncertain significance. Review status: criteria provided, multiple submitters, no conflicts (2 of 4 stars). 2 submissions from 2 submitters: Uncertain significance (2). Last evaluated 2025-06-01.

Conditions:
Hereditary cancer-predisposing syndrome. Also called: Hereditary Cancer Syndrome; Hereditary neoplastic syndrome; Neoplastic Syndromes, Hereditary; Tumor predisposition. Identifiers: Orphanet 140162, MedGen C0027672, MeSH D009386, MONDO:0015356.
Familial cancer of breast. Also called: hereditary breast carcinoma; Hereditary breast cancer; BREAST CANCER, FAMILIAL. Identifiers: Orphanet 227535, MedGen C0346153, MONDO:0016419, OMIM 114480. Disease mechanism: loss of function.

Submissions (2):

Ambry Genetics
Classification: Uncertain significance for Hereditary cancer-predisposing syndrome. Last evaluated: 2025-06-01. Review status: criteria provided, single submitter. Criteria: Ambry Variant Classification Scheme 2023. Collection method: clinical testing. Allele origin: germline.
Comment: The p.V395D variant (also known as c.1184T>A), located in coding exon 10 of the CHEK2 gene, results from a T to A substitution at nucleotide position 1184. The valine at codon 395 is replaced by aspartic acid, an amino acid with highly dissimilar properties. This amino acid position is conserved. In addition, this alteration is predicted to be deleterious by in silico analysis. Based on the available evidence, the clinical significance of this variant remains unclear.

Labcorp Genetics (formerly Invitae), Labcorp
Classification: Uncertain significance for Familial cancer of breast. Last evaluated: 2022-12-30. Review status: criteria provided, single submitter. Criteria: Invitae Variant Classification Sherloc (09022015). Collection method: clinical testing. Allele origin: germline.
Comment: ClinVar contains an entry for this variant (Variation ID: 1063086). In summary, the available evidence is currently insufficient to determine the role of this variant in disease. Therefore, it has been classified as a Variant of Uncertain Significance. Algorithms developed to predict the effect of missense changes on protein structure and function are either unavailable or do not agree on the potential impact of this missense change (SIFT: "Deleterious"; PolyPhen-2: "Probably Damaging"; Align-GVGD: "Class C0"). This variant has not been reported in the literature in individuals affected with CHEK2-related conditions. This variant is not present in population databases (gnomAD no frequency). This sequence change replaces valine, which is neutral and non-polar, with aspartic acid, which is acidic and polar, at codon 395 of the CHEK2 protein (p.Val395Asp).